The following is an entry in ClinVar:

ClinVar aggregate classification (germline): Conflicting classifications of pathogenicity. Review status: criteria provided, conflicting classifications (1 of 4 stars). 14 submissions from 11 submitters: Uncertain significance (4); Benign (1); Likely benign (8). 1 of the submissions does not count toward it. Last evaluated 2026-04-08.

Conditions:
Multiple endocrine neoplasia. Identifiers: Orphanet 276161, MedGen C0027662, MONDO:0017169.
RET-related disorder. Also called: RET-related disorders; RET-related condition; RET-related disease.
Hereditary cancer-predisposing syndrome. Also called: Tumor predisposition; Hereditary neoplastic syndrome; Neoplastic Syndromes, Hereditary; Hereditary Cancer Syndrome. Identifiers: Orphanet 140162, MedGen C0027672, MeSH D009386, MONDO:0015356.
Multiple endocrine neoplasia, type 2 (MEN2). Identifiers: Orphanet 653, MedGen C4048306, MONDO:0019003. Disease mechanism: gain of function.
Hirschsprung disease, susceptibility to, 1 (HSCR1). Also called: RET-Related Hirschsprung Disease. Identifiers: Orphanet 388, MedGen C3888239, MONDO:0007723, OMIM 142623.
Multiple endocrine neoplasia type 2A. Also called: MULTIPLE ENDOCRINE NEOPLASIA, TYPE IIA; PTC SYNDROME; SIPPLE SYNDROME; MEN 2A; MEN-2A syndrome; Pheochromocytoma and amyloid producing medullary thyroid carcinoma. Identifiers: Orphanet 247698, Orphanet 653, MedGen C0025268, MeSH D018813, MONDO:0008234, OMIM 171400.
Pheochromocytoma. Also called: MAX-Related Hereditary Paraganglioma-Pheochromocytoma Syndrome. Identifiers: Orphanet 29072, MedGen C0031511, MONDO:0008233, OMIM 171300, HP:0002666.
Renal hypodysplasia/aplasia 1 (RHDA1). Also called: HEREDITARY RENAL APLASIA; RENAL APLASIA. Identifiers: Orphanet 411709, MedGen C1619700, MONDO:0024519, OMIM 191830.

Allele frequency attached by ClinVar (database versions not stated): gnomAD exomes 0.00003 and 0.00002; TOPMed 0.00003; gnomAD 0.00001; ExAC 0.00002.
gnomAD v4.1: 38 of 1,606,654 alleles (0.0024%); highest among the groups gnomAD compares: Non-Finnish European, 0.0029%; no homozygotes.

Submissions (14):

Ambry Genetics
Classification: Likely benign for Hereditary cancer-predisposing syndrome. Last evaluated: 2026-04-08. Review status: criteria provided, single submitter. Criteria: Ambry Variant Classification Scheme 2023. Collection method: clinical testing. Allele origin: germline.

Labcorp Genetics (formerly Invitae), Labcorp
Classification: Likely benign for Multiple endocrine neoplasia, type 2. Last evaluated: 2026-01-05. Review status: criteria provided, single submitter. Criteria: Invitae Variant Classification Sherloc (09022015). Collection method: clinical testing. Allele origin: germline.

CeGaT Center for Human Genetics Tuebingen
Classification: Likely benign. Last evaluated: 2025-06-01. Review status: criteria provided, single submitter. Criteria: CeGaT Center For Human Genetics Tuebingen Variant Classification Criteria Version 2. Collection method: clinical testing. Allele origin: germline. Affected: yes. Observed: 2 variant alleles.
Comment: RET: BP4, BP7

Myriad Genetics, Inc.
Classification: Benign for Multiple endocrine neoplasia type 2A. Last evaluated: 2025-02-26. Review status: criteria provided, single submitter. Criteria: Myriad Autosomal Dominant, Autosomal Recessive and X-Linked Classification Criteria (2023). Collection method: clinical testing. Allele origin: unknown.
Comment: This variant is considered benign. This variant is a silent/synonymous amino acid change and it is not expected to impact splicing.

Blueprint Genetics
Classification: Likely benign. Last evaluated: 2024-11-13. Review status: criteria provided, single submitter. Criteria: ACMG Guidelines, 2015. Collection method: clinical testing. Allele origin: germline.

All of Us Research Program, National Institutes of Health
Classification: Likely benign for Multiple endocrine neoplasia, type 2. Last evaluated: 2024-08-23. Review status: criteria provided, single submitter. Criteria: ACMG Guidelines, 2015. Collection method: clinical testing. Allele origin: germline. Inheritance: Autosomal dominant inheritance. Observed: 4 variant alleles, 4 heterozygotes.
Comment: This study involves interpretation of variants in research participants for the purpose of population health screening. Participant phenotype was not available at the time of variant classification. Additional details can be found in publication PMID: 35346344, PMCID: PMC8962531

Color Diagnostics, LLC DBA Color Health
Classification: Likely benign for Multiple endocrine neoplasia, type 2. Last evaluated: 2022-11-06. Review status: criteria provided, single submitter. Criteria: ACMG Guidelines, 2015. Collection method: clinical testing. Allele origin: germline.

GeneDx
Classification: Likely benign. Last evaluated: 2019-08-05. Review status: criteria provided, single submitter. Criteria: GeneDx Variant Classification Process June 2021. Collection method: clinical testing. Allele origin: germline. Affected: yes.
Comment: See Variant Classification Assertion Criteria.

Illumina Laboratory Services, Illumina
Classification: Uncertain significance for Multiple endocrine neoplasia. Last evaluated: 2018-01-13. Review status: criteria provided, single submitter. Criteria: ICSL Variant Classification Criteria 13 December 2019. Collection method: clinical testing. Allele origin: germline.

Illumina Laboratory Services, Illumina
Classification: Uncertain significance for Renal hypodysplasia/aplasia 1. Last evaluated: 2018-01-13. Review status: criteria provided, single submitter. Criteria: ICSL Variant Classification Criteria 13 December 2019. Collection method: clinical testing. Allele origin: germline.

Illumina Laboratory Services, Illumina
Classification: Uncertain significance for Pheochromocytoma. Last evaluated: 2018-01-13. Review status: criteria provided, single submitter. Criteria: ICSL Variant Classification Criteria 13 December 2019. Collection method: clinical testing. Allele origin: germline.

Illumina Laboratory Services, Illumina
Classification: Uncertain significance for Hirschsprung disease, susceptibility to, 1. Last evaluated: 2018-01-13. Review status: criteria provided, single submitter. Criteria: ICSL Variant Classification Criteria 13 December 2019. Collection method: clinical testing. Allele origin: germline.

ARUP Laboratories, Molecular Genetics and Genomics, ARUP Laboratories
Classification: Likely benign. Last evaluated: 2016-08-31. Review status: criteria provided, single submitter. Criteria: ARUP Molecular Germline Variant Investigation Process. Collection method: clinical testing. Allele origin: germline.

PreventionGenetics, part of Exact Sciences
Classification: Likely benign for RET-related condition. Last evaluated: 2019-09-09. Review status: no assertion criteria provided. Collection method: clinical testing. Allele origin: germline. Not counted in ClinVar's aggregate classification.
Comment: This variant is classified as likely benign based on ACMG/AMP sequence variant interpretation guidelines (Richards et al. 2015 PMID: 25741868, with internal and published modifications).

NM_020975.6(RET):c.1890C>T (p.Cys630=)

Gene: RET (ret proto-oncogene; plus strand). Cytogenetic location: 10q11.21.
Variant type: single nucleotide variant.
Coding change: c.1890C>T on transcript NM_020975.6 (MANE Select); coding-DNA position 1890, C replaced by T.
Protein change: p.Cys630=; no amino-acid change (cysteine 630 retained).
Molecular consequence: synonymous variant. On other transcripts: intron variant (4).
Genome position (GRCh38, 1-based): chr10:43,114,490, C>T. VCF-style: chr10-43114490-C-T. GRCh37 (hg19) VCF-style: chr10-43609938-C-T.
Other names: c.1890C>T, p.Cys630= (NM_000323.2, NM_001406743.1, NM_001406744.1 and 4 more transcripts); c.1128C>T, p.Cys376= (NM_001355216.2); c.1761C>T, p.Cys587= (NM_001406761.1, NM_001406762.1, NM_001406764.1); c.1602C>T, p.Cys534= (NM_001406766.1, NM_001406767.1, NM_001406770.1); c.1494C>T, p.Cys498= (NM_001406769.1, NM_001406772.1); c.1452C>T, p.Cys484= (NM_001406771.1, NM_001406773.1); c.1365C>T, p.Cys455= (NM_001406774.1); c.1164C>T, p.Cys388= (NM_001406775.1, NM_001406776.1, NM_001406777.1 and 1 more transcripts); and 10 more.
Identifiers: ClinVar variation 215909 (VCV000215909.44), dbSNP rs781145070, ClinGen allele CA036313.